The following is an entry in ClinVar:

NM_153717.3(EVC):c.827T>G (p.Leu276Arg)

Gene: EVC (EvC ciliary complex subunit 1; plus strand). Cytogenetic location: 4p16.2.
Variant type: single nucleotide variant.
Coding change: c.827T>G on transcript NM_153717.3 (MANE Select); coding-DNA position 827, T replaced by G.
Protein change: p.Leu276Arg; replaces leucine 276 with arginine.
Molecular consequence: missense variant.
Genome position (GRCh38, 1-based): chr4:5,745,229, T>G. VCF-style: chr4-5745229-T-G. GRCh37 (hg19) VCF-style: chr4-5746956-T-G.
Other names: c.827T>G, p.Leu276Arg (NM_001306090.2, NM_001306092.2); short protein forms L276R.
Identifiers: ClinVar variation 4794628 (VCV004794628.1).
Genomic context (GRCh38, chr4:5,745,229, plus strand): 5'-GTTTATTTGCTTTCTTTTTTCTTCTTCTTCTTCAGGATTTGGAGGAACTAGAAAAGGGAC[T>G]TCAGGTCAAACTGTCAAACACAGAAATGTCGGGGGCTGGTGACTCTGAGTACATCACCCT-3'
Protein context (NP_714928.1, residues 266-286): EKDLEELEKG[Leu276Arg]QVKLSNTEMS

ClinVar aggregate classification (germline): Uncertain significance (1 of 4 stars; one submission).

Conditions:
Ellis-van Creveld syndrome (EVC). Also called: MESOECTODERMAL DYSPLASIA; EVC-Related Ellis-van Creveld Syndrome; EVC2-Related Ellis-van Creveld Syndrome; Chondroectodermal dysplasia. Identifiers: Orphanet 289, MedGen C0013903, MONDO:0009162, OMIM 225500.
Curry-Hall syndrome (WAD). Also called: WEYERS ACRODENTAL DYSOSTOSIS. Identifiers: Orphanet 952, MedGen C0457013, MONDO:0008673, OMIM 193530.

gnomAD v4.1: 1 of 1,614,034 alleles (0.000062%); highest among the groups gnomAD compares: Non-Finnish European, 0.000085%; no homozygotes.

Submission:

Labcorp Genetics (formerly Invitae), Labcorp
Classification: Uncertain significance for Curry-Hall syndrome; Ellis-van Creveld syndrome. Last evaluated: 2025-12-08. Review status: criteria provided, single submitter. Criteria: Invitae Variant Classification Sherloc (09022015). Collection method: clinical testing. Allele origin: germline.
Comment: This sequence change replaces leucine, which is neutral and non-polar, with arginine, which is basic and polar, at codon 276 of the EVC protein (p.Leu276Arg). This variant is not present in population databases (gnomAD no frequency). This variant has not been reported in the literature in individuals affected with EVC-related conditions. Invitae Evidence Modeling of protein sequence and biophysical properties (such as structural, functional, and spatial information, amino acid conservation, physicochemical variation, residue mobility, and thermodynamic stability) has been performed for this missense variant. However, the output from this modeling did not meet the statistical confidence thresholds required to predict the impact of this variant on EVC protein function. In summary, the available evidence is currently insufficient to determine the role of this variant in disease. Therefore, it has been classified as a Variant of Uncertain Significance.